The following is an entry in ClinVar:

ClinVar aggregate classification (germline): Likely pathogenic. Review status: reviewed by expert panel (3 of 4 stars). 3 submissions from 3 submitters: Likely pathogenic (1). 2 of the submissions do not count toward it. Last evaluated 2025-09-07.

Conditions:
Primary ciliary dyskinesia. Also called: Ciliary dyskinesia. Identifiers: Orphanet 244, MedGen C0008780, MONDO:0016575, HP:0012265.
RPGR-related disorder. Also called: RPGR-related condition.
RPGR-related retinopathy. Also called: RPGR retinopathy. Identifiers: MedGen CN305589, MONDO:0100437.

Submissions (3):

ClinGen X-linked Inherited Retinal Disease Variant Curation Expert Panel, ClinGen
Classification: Likely pathogenic for RPGR-related retinopathy. Last evaluated: 2025-09-07. Review status: reviewed by expert panel. Criteria: ClinGen X LinkedIRD ACMG Specifications RPGR V1.0.0. Collection method: curation. Allele origin: germline. Inheritance: X-linked inheritance.
Comment: NM_001034853.2(RPGR):c.823G>C (p.Gly275Arg) is a missense variant causing substitution of glycine by arginine at amino acid 275. Another missense variant in the same codon, NM_001034853.2:c.823G>A (p.Gly275Ser), (PMIDs: 17480003, 31456290, 17724181, 16969763, and 8817343) has been classified as pathogenic for RPGR-related retinopathy by the ClinGen X-linked IRD VCEP, while no benign missense variants have been identified in this codon. The present variant has a higher Grantham’s distance (125) than the comparison variant (56), and SpliceAI has been used to confirm that neither variant has a predicted impact on RPGR splicing (PM5_Supporting). This variant is absent from gnomAD v4.1.0 (PM2_Supporting). At least one proband harboring this variant exhibits a phenotype of retinal dystrophy, which is consistent with RPGR-related retinopathy but does not include sufficient details to meet PP4 (ClinVar submission SCV001240404.1). The computational predictor REVEL gives a score of 0.979, which is above the ClinGen X-linked IRD VCEP threshold of ≥ 0.923 and predicts a damaging effect on RPGR function (PP3_Strong). In summary, this variant is classified as likely pathogenic for RPGR-related retinopathy based on the ClinGen X-linked Inherited Retinal Disease Expert Panel Specifications to the ACMG/AMP Variant Interpretation Guidelines for RPGR Version 1.0.0; PM2_Supporting, PM5_Supporting, and PP3_Strong.

Labcorp Genetics (formerly Invitae), Labcorp
Classification: Pathogenic for Primary ciliary dyskinesia. Last evaluated: 2023-08-11. Review status: criteria provided, single submitter. Criteria: Invitae Variant Classification Sherloc (09022015). Collection method: clinical testing. Allele origin: germline. Not counted in ClinVar's aggregate classification.
Comment: This sequence change replaces glycine, which is neutral and non-polar, with arginine, which is basic and polar, at codon 275 of the RPGR protein (p.Gly275Arg). This variant is not present in population databases (gnomAD no frequency). This missense change has been observed in individuals with retinitis pigmentosa (PMID: 32702353; external communication). ClinVar contains an entry for this variant (Variation ID: 866638). Advanced modeling of protein sequence and biophysical properties (such as structural, functional, and spatial information, amino acid conservation, physicochemical variation, residue mobility, and thermodynamic stability) performed at Invitae indicates that this missense variant is expected to disrupt RPGR protein function. This variant disrupts the p.Gly275 amino acid residue in RPGR. Other variant(s) that disrupt this residue have been determined to be pathogenic (PMID: 8817343, 16969763, 17724181, 23213406, 30622176, 31456290). This suggests that this residue is clinically significant, and that variants that disrupt this residue are likely to be disease-causing. For these reasons, this variant has been classified as Pathogenic.

Blueprint Genetics
Classification: Pathogenic for RPGR-related disorders. Last evaluated: 2022-05-16. Review status: criteria provided, single submitter. Criteria: ACMG Guidelines, 2015. Collection method: clinical testing. Allele origin: germline. Affected: yes. Observed: 5 variant alleles. Not counted in ClinVar's aggregate classification.

Literature cited by the submitters: PubMed 32702353 (cited by Labcorp Genetics (formerly Invitae), Labcorp); PubMed 8817343 (cited by Labcorp Genetics (formerly Invitae), Labcorp); PubMed 16969763 (cited by Labcorp Genetics (formerly Invitae), Labcorp); PubMed 17724181 (cited by Labcorp Genetics (formerly Invitae), Labcorp); PubMed 23213406 (cited by Labcorp Genetics (formerly Invitae), Labcorp); PubMed 30622176 (cited by Labcorp Genetics (formerly Invitae), Labcorp); PubMed 31456290 (cited by Labcorp Genetics (formerly Invitae), Labcorp).

NM_001034853.2(RPGR):c.823G>C (p.Gly275Arg)

Gene: RPGR (retinitis pigmentosa GTPase regulator; minus strand). Cytogenetic location: Xp11.4.
Variant type: single nucleotide variant.
Coding change: c.823G>C on transcript NM_001034853.2 (MANE Select); coding-DNA position 823, G replaced by C.
Protein change: p.Gly275Arg; replaces glycine 275 with arginine.
Molecular consequence: missense variant. On other transcripts: non-coding transcript variant (5).
Genome position (GRCh38, 1-based): chrX:38,304,746, C>G on the plus strand (G>C on the coding strand, the complement: RPGR is on the minus strand). VCF-style: chrX-38304746-C-G. GRCh37 (hg19) VCF-style: chrX-38163999-C-G.
Other names: NM_001034853.2(RPGR):c.823G>C; p.Gly275Arg; c.823G>C, p.Gly275Arg (NM_000328.3, NM_001367246.1, NM_001367247.1 and 1 more transcripts); c.820G>C, p.Gly274Arg (NM_001367245.1, NM_001367249.1, NM_001367250.1); c.853G>C, p.Gly285Arg (NM_001367248.1); short protein forms G274R, G275R, G285R.
Identifiers: ClinVar variation 866638 (VCV000866638.6), dbSNP rs62642057, ClinGen allele CA412741596.